The following is an entry in ClinVar:

NM_020937.4(FANCM):c.1397-15TA[8]

Gene: FANCM (FA complementation group M; plus strand). Cytogenetic location: 14q21.2.
Variant type: Microsatellite.
Coding change: c.1397-15TA[8] on transcript NM_020937.4 (MANE Select); eight copies in a row of the 2-base unit TA starting at c.1397-15; the reference has seven copies in a row; one copy, 2 bases duplicated.
Molecular consequence: splice acceptor variant.
Genome position (GRCh38, 1-based): chr14:45,159,093-45,159,094, TA duplicated; duplicating any 2 consecutive bases within chr14:45,159,081-45,159,094 gives the same sequence; the position shown is the placement nearest the transcript's 3' end. VCF-style (leftmost placement, unchanged base first): chr14-45159080-T-TTA. GRCh37 (hg19) VCF-style: chr14-45628283-T-TTA.
Other names: c.1319-15TA[8] (NM_001308133.2); c.1397-15TA[8] (NM_001308134.2).
Identifiers: ClinVar variation 1219560 (VCV001219560.12), dbSNP rs112326758, ClinGen allele CA7169044.
Genomic context (GRCh38, chr14:45,159,080, plus strand): 5'-GGTTTGTCTTTTGAACTATTTCTTGTCTAAATGCTTTGTAAAAAGTTGTAATTAAAGTTT[T>TTA]TATATATATATATAGCTGAAAACACTACTGAAAAGAAACGTGATGAGACCCGAGTTATGA-3'

ClinVar aggregate classification (germline): Benign/Likely benign. Review status: criteria provided, multiple submitters, no conflicts (2 of 4 stars). 3 submissions from 3 submitters: Benign (1); Likely benign (2). Last evaluated 2026-01-26.

Conditions:
Fanconi anemia (FA). Also called: Fanconi's anemia. Identifiers: Orphanet 84, MedGen C0015625, MeSH D005199, MONDO:0019391.

Submissions (3):

Labcorp Genetics (formerly Invitae), Labcorp
Classification: Benign for Fanconi anemia. Last evaluated: 2026-01-26. Review status: criteria provided, single submitter. Criteria: Invitae Variant Classification Sherloc (09022015). Collection method: clinical testing. Allele origin: germline.

Blueprint Genetics
Classification: Likely benign. Last evaluated: 2024-11-27. Review status: criteria provided, single submitter. Criteria: ACMG Guidelines, 2015. Collection method: clinical testing. Allele origin: germline.

GeneDx
Classification: Likely benign. Last evaluated: 2020-09-10. Review status: criteria provided, single submitter. Criteria: GeneDx Variant Classification Process June 2021. Collection method: clinical testing. Allele origin: germline. Affected: yes.
Comment: This variant is associated with the following publications: (PMID: 32338768)